The following is an entry in ClinVar:

NM_017780.4(CHD7):c.935G>C (p.Arg312Pro)

Gene: CHD7 (chromodomain helicase DNA binding protein 7; plus strand). Cytogenetic location: 8q12.2.
Variant type: single nucleotide variant.
Coding change: c.935G>C on transcript NM_017780.4 (MANE Select); coding-DNA position 935, G replaced by C.
Protein change: p.Arg312Pro; replaces arginine 312 with proline.
Molecular consequence: missense variant.
Genome position (GRCh38, 1-based): chr8:60,742,367, G>C. VCF-style: chr8-60742367-G-C. GRCh37 (hg19) VCF-style: chr8-61654926-G-C.
Other names: c.935G>C, p.Arg312Pro (NM_001316690.1); short protein forms R312P.
Identifiers: ClinVar variation 2750652 (VCV002750652.3), dbSNP rs955811265, ClinGen allele CA371300171.

ClinVar aggregate classification (germline): Uncertain significance (1 of 4 stars; one submission).

Conditions:
CHARGE syndrome (CHARGE). Also called: Hittner Hirsch Kreh syndrome; CHARGE ASSOCIATION--COLOBOMA, HEART ANOMALY, CHOANAL ATRESIA, RETARDATION, GENITAL AND EAR ANOMALIES; Coloboma, heart anomaly, choanal atresia, retardation, genital and ear anomalies; CHARGE association; Hall-Hittner syndrome. Identifiers: Orphanet 138, MedGen C0265354, MONDO:0008965.

Allele frequency attached by ClinVar (database versions not stated): TOPMed below 0.00001.
gnomAD v4.1: 1 of 1,613,922 alleles (0.000062%); highest among the groups gnomAD compares: Non-Finnish European, 0.000085%; no homozygotes.

Submission:

Labcorp Genetics (formerly Invitae), Labcorp
Classification: Uncertain significance for CHARGE syndrome. Last evaluated: 2023-11-19. Review status: criteria provided, single submitter. Criteria: Invitae Variant Classification Sherloc (09022015). Collection method: clinical testing. Allele origin: germline.
Comment: This sequence change replaces arginine, which is basic and polar, with proline, which is neutral and non-polar, at codon 312 of the CHD7 protein (p.Arg312Pro). This variant is not present in population databases (gnomAD no frequency). This variant has not been reported in the literature in individuals affected with CHD7-related conditions. Advanced modeling of protein sequence and biophysical properties (such as structural, functional, and spatial information, amino acid conservation, physicochemical variation, residue mobility, and thermodynamic stability) performed at Invitae indicates that this missense variant is not expected to disrupt CHD7 protein function with a negative predictive value of 95%. In summary, the available evidence is currently insufficient to determine the role of this variant in disease. Therefore, it has been classified as a Variant of Uncertain Significance.